The following is an entry in ClinVar:

NC_012920.1(MT-TL2):m.12311T>C

Gene: MT-TL2 (mitochondrially encoded tRNA leucine 2 (CUN); plus strand).
Variant type: single nucleotide variant.
Genome position: chrM-12311-T-C.
Identifiers: ClinVar variation 690195 (VCV000690195.1), dbSNP rs201754056, ClinGen allele CA337099445.

ClinVar aggregate classification (germline): Benign (1 of 4 stars; one submission).

Conditions:
MELAS syndrome (MELAS). Also called: Juvenile myopathy, encephalopathy, lactic acidosis, stroke. Identifiers: Orphanet 550, MedGen C0162671, MONDO:0010789, OMIM 540000.

Submission:

Wong Mito Lab, Molecular and Human Genetics, Baylor College of Medicine
Classification: Benign for MELAS syndrome. Last evaluated: 2019-07-12. Review status: criteria provided, single submitter. Criteria: Modified ACMG Guidelines (Unpublished). Collection method: clinical testing. Allele origin: germline.
Comment: The NC_012920.1:m.12311T>C variant in MT-TL2 gene is interpreted to be a Benign variant based on the modified ACMG guidelines (unpublished). This variant meets the following evidence codes reported in the guidelines: BS1, BS2

Literature cited by the submitters: PubMed 31965079; PubMed 7804130.